The following is an entry in ClinVar:

NM_001330723.2(SNX27):c.1240-4_1240-3dup

Gene: SNX27 (sorting nexin 27; plus strand). Cytogenetic location: 1q21.3.
Variant type: Duplication.
Coding change: c.1240-4_1240-3dup on transcript NM_001330723.2 (MANE Select); 4 bases into the intron before coding-DNA position 1240 through 3 bases into the intron before coding-DNA position 1240, 2 bases duplicated (TT; older notation c.1240-4_1240-3dupTT).
Molecular consequence: intron variant.
Genome position (GRCh38, 1-based): chr1:151,692,431-151,692,432, TT duplicated; duplicating any 2 consecutive bases within chr1:151,692,407-151,692,432 gives the same sequence; the c. name uses the placement nearest the transcript's 3' end. VCF-style (leftmost placement, unchanged base first): chr1-151692406-C-CTT. GRCh37 (hg19) VCF-style: chr1-151664882-C-CTT.
Other names: c.1240-4_1240-3dup (NM_030918.6).
Identifiers: ClinVar variation 3037200 (VCV003037200.2), dbSNP rs61159507, ClinGen allele CA1093628.
Genomic context (GRCh38, chr1:151,692,406, plus strand): 5'-ATCTCAATAGCTCTTTATTGTGTTTAATACCATAGTAACCCTGTTTCCTGTTTCTCCTTC[C>CTT]TTTTTTTTTTTTTTTTTTTTTTTTTTAGTACCTCAACATGCTAAGGACTTGTGAGGGCTA-3'

ClinVar aggregate classification (germline): Benign (0 of 4 stars; one submission).

Conditions:
SNX27-related disorder. Also called: SNX27-related condition.

Submission:

PreventionGenetics, part of Exact Sciences
Classification: Benign for SNX27-related condition. Last evaluated: 2019-03-22. Review status: no assertion criteria provided. Collection method: clinical testing. Allele origin: germline.
Comment: This variant is classified as benign based on ACMG/AMP sequence variant interpretation guidelines (Richards et al. 2015 PMID: 25741868, with internal and published modifications).